The following is an entry in ClinVar:

NC_000015.10:g.(?_42389933)_(42411793_?)del

Genes: CAPN3 (calpain 3; plus strand), LOC130056920 (ATAC-STARR-seq lymphoblastoid active region 9299; plus strand), LOC130056921 (ATAC-STARR-seq lymphoblastoid active region 9300; plus strand). Cytogenetic location: 15q15.1.
Variant type: Deletion.
Identifiers: ClinVar variation 650702 (VCV000650702.10).

ClinVar aggregate classification (germline): Pathogenic (1 of 4 stars; one submission).

Conditions:
Autosomal recessive limb-girdle muscular dystrophy type 2A (LGMDR1). Also called: Limb-girdle muscular dystrophy, type 2A; Muscular dystrophy, limb-girdle, type 2A, Amish; LEYDEN-MOEBIUS MUSCULAR DYSTROPHY; MUSCULAR DYSTROPHY, PELVOFEMORAL; Calpainopathy. Identifiers: Orphanet 267, MedGen C1869123, MONDO:0009675, OMIM 253600. Disease mechanism: loss of function.

Submission:

Labcorp Genetics (formerly Invitae), Labcorp
Classification: Pathogenic for Autosomal recessive limb-girdle muscular dystrophy type 2A. Last evaluated: 2018-08-07. Review status: criteria provided, single submitter. Criteria: Invitae Variant Classification Sherloc (09022015). Collection method: clinical testing. Allele origin: germline.
Comment: Sub-genic deletion of exon 17 has been determined to be pathogenic (PMID: 25987458, 29685414). Therefore, deletions that fully encompass that region are also expected to be pathogenic. For these reasons, this variant has been classified as Pathogenic. This variant has not been reported in the literature in individuals with CAPN3-related disease. This variant is a gross deletion of the genomic region encompassing exons 6-24 of the CAPN3 gene. The 5' boundary is likely confined to intron 5. The 3' end of this event is unknown as it extends through the termination codon beyond the assayed region for this gene and may encompass additional genes. While this deletion is not anticipated to result in nonsense mediated decay, it is expected to create a truncated protein product or disrupt mRNA translation.

Literature cited by the submitters: PubMed 25987458; PubMed 29685414.